The following is an entry in ClinVar:

ClinVar aggregate classification (germline): Uncertain significance (1 of 4 stars; one submission).

Conditions:
Alstrom syndrome (ALMS). Identifiers: Orphanet 64, MedGen C0268425, MONDO:0008763, OMIM 203800.

Submission:

Labcorp Genetics (formerly Invitae), Labcorp
Classification: Uncertain significance for Alstrom syndrome. Last evaluated: 2021-05-31. Review status: criteria provided, single submitter. Criteria: Invitae Variant Classification Sherloc (09022015). Collection method: clinical testing. Allele origin: germline.
Comment: In summary, the available evidence is currently insufficient to determine the role of this variant in disease. Therefore, it has been classified as a Variant of Uncertain Significance. Experimental studies and prediction algorithms are not available or were not evaluated, and the functional significance of this variant is currently unknown. This variant has not been reported in the literature in individuals with ALMS1-related conditions. This variant is not present in population databases (ExAC no frequency). This sequence change replaces phenylalanine with leucine at codon 3989 of the ALMS1 protein (p.Phe3989Leu). The phenylalanine residue is highly conserved and there is a small physicochemical difference between phenylalanine and leucine.

NM_001378454.1(ALMS1):c.11964T>G (p.Phe3988Leu)

Genes: ALMS1 (ALMS1 centrosome and basal body associated protein; plus strand), LOC126806252 (BRD4-independent group 4 enhancer GRCh37_chr2:73828496-73829695; plus strand). Cytogenetic location: 2p13.1.
Variant type: single nucleotide variant.
Coding change: c.11964T>G on transcript NM_001378454.1 (MANE Select); coding-DNA position 11964, T replaced by G.
Protein change: p.Phe3988Leu; replaces phenylalanine 3988 with leucine.
Molecular consequence: missense variant.
Genome position (GRCh38, 1-based): chr2:73,601,286, T>G. VCF-style: chr2-73601286-T-G. GRCh37 (hg19) VCF-style: chr2-73828413-T-G.
Other names: c.11967T>G, p.Phe3989Leu (NM_015120.4); short protein forms F3988L, F3989L.
Identifiers: ClinVar variation 1357846 (VCV001357846.6), dbSNP rs2104195845, ClinGen allele CA347265980.